The following is an entry in ClinVar:

ClinVar aggregate classification (germline): Uncertain significance. Review status: criteria provided, multiple submitters, no conflicts (2 of 4 stars). 2 submissions from 2 submitters: Uncertain significance (2). Last evaluated 2025-01-06.

Conditions:
Cardiovascular phenotype. Identifiers: MedGen CN230736.

Allele frequency attached by ClinVar (database versions not stated): ExAC 0.00001; gnomAD exomes 0.00002.
gnomAD v4.1: 10 of 1,613,936 alleles (0.00062%); highest among the groups gnomAD compares: South Asian, 0.011%; no homozygotes.

Submissions (2):

Ambry Genetics
Classification: Uncertain significance for Cardiovascular phenotype. Last evaluated: 2025-01-06. Review status: criteria provided, single submitter. Criteria: Ambry Variant Classification Scheme 2023. Collection method: clinical testing. Allele origin: germline.
Comment: The p.G165D variant (also known as c.494G>A), located in coding exon 1 of the LOX gene, results from a G to A substitution at nucleotide position 494. The glycine at codon 165 is replaced by aspartic acid, an amino acid with similar properties. This amino acid position is conserved. In addition, this alteration is predicted to be tolerated by in silico analysis. Based on the available evidence, the clinical significance of this variant remains unclear.

Labcorp Genetics (formerly Invitae), Labcorp
Classification: Uncertain significance. Last evaluated: 2023-06-25. Review status: criteria provided, single submitter. Criteria: Invitae Variant Classification Sherloc (09022015). Collection method: clinical testing. Allele origin: germline.
Comment: In summary, the available evidence is currently insufficient to determine the role of this variant in disease. Therefore, it has been classified as a Variant of Uncertain Significance. Advanced modeling of protein sequence and biophysical properties (such as structural, functional, and spatial information, amino acid conservation, physicochemical variation, residue mobility, and thermodynamic stability) performed at Invitae indicates that this missense variant is not expected to disrupt LOX protein function. This variant has not been reported in the literature in individuals affected with LOX-related conditions. This variant is present in population databases (rs780771761, gnomAD 0.01%). This sequence change replaces glycine, which is neutral and non-polar, with aspartic acid, which is acidic and polar, at codon 165 of the LOX protein (p.Gly165Asp).

NM_002317.7(LOX):c.494G>A (p.Gly165Asp)

Genes: LOX (lysyl oxidase; minus strand), SRFBP1 (serum response factor binding protein 1; plus strand). Cytogenetic location: 5q23.1.
Variant type: single nucleotide variant.
Coding change: c.494G>A on transcript NM_002317.7 (MANE Select); coding-DNA position 494, G replaced by A.
Protein change: p.Gly165Asp; replaces glycine 165 with aspartic acid.
Molecular consequence: missense variant.
Genome position (GRCh38, 1-based): chr5:122,077,492, C>T on the plus strand (G>A on the coding strand, the complement: LOX is on the minus strand). VCF-style: chr5-122077492-C-T. GRCh37 (hg19) VCF-style: chr5-121413187-C-T.
Other names: c.494G>A (NM_002317.5); short protein forms G165D.
Identifiers: ClinVar variation 2843184 (VCV002843184.4), dbSNP rs780771761, ClinGen allele CA3384019.